The following is an entry in ClinVar:

ClinVar aggregate classification (germline): Pathogenic (1 of 4 stars; one submission).

Conditions:
Glycine encephalopathy. Also called: Nonketotic hyperglycinemia; Non-ketotic hyperglycinemia. Identifiers: Orphanet 407, MedGen C0751748, MONDO:0011612, HP:0008288.

Submission:

Labcorp Genetics (formerly Invitae), Labcorp
Classification: Pathogenic for Glycine encephalopathy. Last evaluated: 2022-06-14. Review status: criteria provided, single submitter. Criteria: Invitae Variant Classification Sherloc (09022015). Collection method: clinical testing. Allele origin: germline.
Comment: This variant is a gross deletion of the genomic region encompassing exon(s) 1-15 of the GLDC gene, which includes the initiator codon. This deletion extends beyond the assayed region for this gene and therefore may encompass additional genes. It is expected to result in an absent or disrupted protein product. Loss-of-function variants in GLDC are known to be pathogenic (PMID: 16601880). A similar copy number variant has been observed in individual(s) with glycine encephalopathy (PMID: 27362913). For these reasons, this variant has been classified as Pathogenic.

Literature cited by the submitters: PubMed 16601880; PubMed 27362913.

NC_000009.11:g.(?_6587131)_(6645509_?)del

Gene: GLDC (glycine decarboxylase; minus strand). Cytogenetic location: 9p24.1.
Variant type: Deletion.
Identifiers: ClinVar variation 1072390 (VCV001072390.8).